The following is an entry in ClinVar:

NM_014846.4(WASHC5):c.1650C>T (p.Ile550=)

Gene: WASHC5 (WASH complex subunit 5; minus strand). Cytogenetic location: 8q24.13.
Variant type: single nucleotide variant.
Coding change: c.1650C>T on transcript NM_014846.4 (MANE Select); coding-DNA position 1650, C replaced by T.
Protein change: p.Ile550=; no amino-acid change (isoleucine 550 retained).
Molecular consequence: synonymous variant.
Genome position (GRCh38, 1-based): chr8:125,059,414, G>A on the plus strand (C>T on the coding strand, the complement: WASHC5 is on the minus strand). VCF-style: chr8-125059414-G-A. GRCh37 (hg19) VCF-style: chr8-126071656-G-A.
Other names: c.1206C>T, p.Ile402= (NM_001330609.2).
Identifiers: ClinVar variation 695472 (VCV000695472.12), dbSNP rs780912744, ClinGen allele CA4873767.

ClinVar aggregate classification (germline): Likely benign. Review status: criteria provided, single submitter (1 of 4 stars). 2 submissions from 2 submitters: Likely benign (1). 1 of the submissions does not count toward it. Last evaluated 2025-02-11.

Conditions:
Hereditary spastic paraplegia 8 (SPG8). Also called: SPASTIC PARAPLEGIA 8, AUTOSOMAL DOMINANT. Identifiers: Orphanet 100989, MedGen C1863704, MONDO:0011339, OMIM 603563.
Ritscher-Schinzel syndrome. Also called: CRANIOCEREBELLOCARDIAC DYSPLASIA. Identifiers: Orphanet 7, MedGen C0796137, MONDO:0019078.
WASHC5-related disorder. Also called: WASHC5-related condition.

Allele frequency attached by ClinVar (database versions not stated): gnomAD exomes 0.00004 and 0.00016; ExAC 0.00017; gnomAD 0.00001; TOPMed 0.00007.
gnomAD v4.1: 56 of 1,614,030 alleles (0.0035%); highest among the groups gnomAD compares: Admixed American, 0.077%; no homozygotes.

Submissions (2):

Labcorp Genetics (formerly Invitae), Labcorp
Classification: Likely benign for Ritscher-Schinzel syndrome; Hereditary spastic paraplegia 8. Last evaluated: 2025-02-11. Review status: criteria provided, single submitter. Criteria: Invitae Variant Classification Sherloc (09022015). Collection method: clinical testing. Allele origin: germline.

PreventionGenetics, part of Exact Sciences
Classification: Likely benign for WASHC5-related condition. Last evaluated: 2019-03-22. Review status: no assertion criteria provided. Collection method: clinical testing. Allele origin: germline. Not counted in ClinVar's aggregate classification.
Comment: This variant is classified as likely benign based on ACMG/AMP sequence variant interpretation guidelines (Richards et al. 2015 PMID: 25741868, with internal and published modifications).